The following is an entry in ClinVar:

ClinVar aggregate classification (germline): Uncertain significance. Review status: criteria provided, multiple submitters, no conflicts (2 of 4 stars). 2 submissions from 2 submitters: Uncertain significance (2). Last evaluated 2022-10-25.

Conditions:
Inborn genetic diseases. Identifiers: MedGen C0950123, MeSH D030342.

Allele frequency attached by ClinVar (database versions not stated): gnomAD exomes below 0.00001.
gnomAD v4.1: 2 of 1,614,138 alleles (0.00012%); highest among the groups gnomAD compares: Middle Eastern, 0.033%; no homozygotes.

Submissions (2):

Labcorp Genetics (formerly Invitae), Labcorp
Classification: Uncertain significance. Last evaluated: 2022-10-25. Review status: criteria provided, single submitter. Criteria: Invitae Variant Classification Sherloc (09022015). Collection method: clinical testing. Allele origin: germline.
Comment: In summary, the available evidence is currently insufficient to determine the role of this variant in disease. Therefore, it has been classified as a Variant of Uncertain Significance. Advanced modeling of protein sequence and biophysical properties (such as structural, functional, and spatial information, amino acid conservation, physicochemical variation, residue mobility, and thermodynamic stability) performed at Invitae indicates that this missense variant is not expected to disrupt MYH3 protein function. This variant has not been reported in the literature in individuals affected with MYH3-related conditions. This variant is not present in population databases (gnomAD no frequency). This sequence change replaces aspartic acid, which is acidic and polar, with glutamic acid, which is acidic and polar, at codon 956 of the MYH3 protein (p.Asp956Glu).

Ambry Genetics
Classification: Uncertain significance for Inborn genetic diseases. Last evaluated: 2022-05-04. Review status: criteria provided, single submitter. Criteria: Ambry Variant Classification Scheme 2023. Collection method: clinical testing. Allele origin: germline.

NM_002470.4(MYH3):c.2868T>G (p.Asp956Glu)

Gene: MYH3 (myosin heavy chain 3; minus strand). Cytogenetic location: 17p13.1.
Variant type: single nucleotide variant.
Coding change: c.2868T>G on transcript NM_002470.4 (MANE Select); coding-DNA position 2868, T replaced by G.
Protein change: p.Asp956Glu; replaces aspartic acid 956 with glutamic acid.
Molecular consequence: missense variant.
Genome position (GRCh38, 1-based): chr17:10,639,617, A>C on the plus strand (T>G on the coding strand, the complement: MYH3 is on the minus strand). VCF-style: chr17-10639617-A-C. GRCh37 (hg19) VCF-style: chr17-10542934-A-C.
Other names: c.2868T>G (NM_002470.3); short protein forms D956E.
Identifiers: ClinVar variation 2287549 (VCV002287549.8), dbSNP rs2508598751, ClinGen allele CA398156928.
Genomic context (GRCh38, chr17:10,639,617, plus strand): 5'-TACCTTGTTCTCTGTGGCATGCTTCTCCTTCTCAACCTTGGCCAGGGTCAACTCAAGGTC[A>C]TCAATGTCTTTCTTGAGCTCTGAGCATTCATCCTCCAGTTTCCTCTTCTTGGCCGTCAGC-3'
Protein context (NP_002461.2, residues 946-966): DECSELKKDI[Asp956Glu]DLELTLAKVE